The following is an entry in ClinVar:

ClinVar aggregate classification (germline): Likely benign (1 of 4 stars; one submission).

gnomAD v4.1: 880 of 1,598,832 alleles (0.055%); highest among the groups gnomAD compares: Middle Eastern, 0.48%; 3 homozygotes.

Submission:

CeGaT Center for Human Genetics Tuebingen
Classification: Likely benign. Last evaluated: 2026-06-01. Review status: criteria provided, single submitter. Criteria: CeGaT Center For Human Genetics Tuebingen Variant Classification Criteria Version 2. Collection method: clinical testing. Allele origin: germline. Affected: yes. Observed: 3 variant alleles.
Comment: ARFGEF1: BP4, BP7, BS1

NM_006421.5(ARFGEF1):c.4683A>G (p.Pro1561=)

Gene: ARFGEF1 (ARF guanine nucleotide exchange factor 1; minus strand). Cytogenetic location: 8q13.2.
Variant type: single nucleotide variant.
Coding change: c.4683A>G on transcript NM_006421.5 (MANE Select); coding-DNA position 4683, A replaced by G.
Protein change: p.Pro1561=; no amino-acid change (proline 1561 retained).
Molecular consequence: synonymous variant. On other transcripts: non-coding transcript variant (1), intron variant (5).
Genome position (GRCh38, 1-based): chr8:67,216,593, T>C on the plus strand (A>G on the coding strand, the complement: ARFGEF1 is on the minus strand). VCF-style: chr8-67216593-T-C. GRCh37 (hg19) VCF-style: chr8-68128828-T-C.
Other names: c.4683A>G, p.Pro1561= (NM_001413184.1, NM_001413187.1, NM_001413191.1 and 1 more transcripts); c.4083A>G, p.Pro1361= (NM_001413188.1, NM_001413197.1); c.4677A>G, p.Pro1559= (NM_001413190.1); c.3258A>G, p.Pro1086= (NM_001413196.1); c.4668+15A>G (NM_001413186.1, NM_001413185.1, NM_001413192.1 and 1 more transcripts); c.4068+15A>G (NM_001413193.1).
Identifiers: ClinVar variation 4533687 (VCV004533687.6).
Genomic context (GRCh38, chr8:67,216,593, plus strand): 5'-ATAAAATTACTCATCACAAATAACTAATTTCAATATACTTTACTGATTAAAACTTACCAA[T>C]GGCTTTTCACTTACAGGAGATGGAGGTGGGGGGGCAGTTTCTCCAGAATTGGGTCGCCAG-3'
Protein context (NP_006412.2, residues 1551-1571): PPPPSPVSEK[Pro1561=]LDTISQKSVD